The following is an entry in ClinVar:

ClinVar aggregate classification (germline): Benign (1 of 4 stars; one submission).

Conditions:
Sclerosteosis 1 (SOST1). Also called: CORTICAL HYPEROSTOSIS WITH SYNDACTYLY. Identifiers: Orphanet 3152, MedGen C4551483, MONDO:0010016, OMIM 269500.

Allele frequency attached by ClinVar (database versions not stated): gnomAD 0.00836 and 0.00905; TOPMed 0.00999; 1000 Genomes Project 30x 0.01046; 1000 Genomes Project 0.01058.

Submission:

Illumina Laboratory Services, Illumina
Classification: Benign for Sclerosteosis 1. Last evaluated: 2018-01-13. Review status: criteria provided, single submitter. Criteria: ICSL Variant Classification Criteria 13 December 2019. Collection method: clinical testing. Allele origin: germline.
Comment: This variant was observed in the ICSL laboratory as part of a predisposition screen in an ostensibly healthy population. It had not been previously curated by ICSL or reported in the Human Gene Mutation Database (HGMD: prior to June 1st, 2018), and was therefore a candidate for classification through an automated scoring system. Utilizing variant allele frequency, disease prevalence and penetrance estimates, and inheritance mode, an automated score was calculated to assess if this variant is too frequent to cause the disease. Based on the score and internal cut-off values, a variant classified as benign is not then subjected to further curation. The score for this variant resulted in a classification of benign for this disease.

NM_025237.3(SOST):c.*562G>A

Gene: SOST (sclerostin; minus strand). Cytogenetic location: 17q21.31.
Variant type: single nucleotide variant.
Coding change: c.*562G>A on transcript NM_025237.3 (MANE Select); 562 bases downstream of the stop codon, G replaced by A.
Molecular consequence: 3 prime UTR variant.
Genome position (GRCh38, 1-based): chr17:43,754,780, C>T on the plus strand (G>A on the coding strand, the complement: SOST is on the minus strand). VCF-style: chr17-43754780-C-T. GRCh37 (hg19) VCF-style: chr17-41832148-C-T.
Identifiers: ClinVar variation 323434 (VCV000323434.5), dbSNP rs17881518, ClinGen allele CA10650237.